The following is an entry in ClinVar:

NM_001103.4(ACTN2):c.783+22G>A

Gene: ACTN2 (actinin alpha 2; plus strand). Cytogenetic location: 1q43.
Variant type: single nucleotide variant.
Coding change: c.783+22G>A on transcript NM_001103.4 (MANE Select); 22 bases into the intron after coding-DNA position 783, G replaced by A.
Molecular consequence: intron variant.
Genome position (GRCh38, 1-based): chr1:236,735,742, G>A. VCF-style: chr1-236735742-G-A. GRCh37 (hg19) VCF-style: chr1-236899042-G-A.
Other names: c.48+22G>A (NM_001278344.2); c.783+1224G>A (NM_001278343.2).
Identifiers: ClinVar variation 177799 (VCV000177799.6), dbSNP rs2288600, ClinGen allele CA180788.
Genomic context (GRCh38, chr1:236,735,742, plus strand): 5'-GTCTCTTGCTTCTACCACGCTTTTGCGGGCGCGGAGCAGGTACTCAACACTTGTCCGTCC[G>A]GGCTGTTGTGTTACTCTCTGTTGGTTTTAGTTGTGTGTGCATACTTGAGTGTGTGTTTGT-3'

ClinVar aggregate classification (germline): Benign. Review status: criteria provided, multiple submitters, no conflicts (2 of 4 stars). 3 submissions from 3 submitters: Benign (3). Last evaluated 2018-06-14.

Allele frequency attached by ClinVar (database versions not stated): ESP Exome Variant Server 0.15662; gnomAD 0.15994 and 0.15846; ExAC 0.16674; TOPMed 0.16490; gnomAD exomes 0.16190; 1000 Genomes Project 0.19589; 1000 Genomes Project 30x 0.19941.
gnomAD v4.1: 237,899 of 1,605,616 alleles (15%); highest among the groups gnomAD compares: South Asian, 21%; 18,455 homozygotes.

Submissions (3):

GeneDx
Classification: Benign. Last evaluated: 2018-06-14. Review status: criteria provided, single submitter. Criteria: GeneDx Variant Classification (06012015). Collection method: clinical testing. Allele origin: germline. Affected: yes.
Comment: This variant is considered likely benign or benign based on one or more of the following criteria: it is a conservative change, it occurs at a poorly conserved position in the protein, it is predicted to be benign by multiple in silico algorithms, and/or has population frequency not consistent with disease.

Laboratory for Molecular Medicine, Mass General Brigham Personalized Medicine
Classification: Benign. Last evaluated: 2008-11-16. Review status: criteria provided, single submitter. Criteria: LMM Criteria. Collection method: clinical testing. Allele origin: germline. Observed: 112 variant alleles.

Breakthrough Genomics
Classification: Benign. Review status: criteria provided, single submitter. Criteria: ACMG Guidelines, 2015. Collection method: not provided. Allele origin: germline. Inheritance: Autosomal dominant inheritance. Affected: yes.